The following is an entry in ClinVar:

NC_000017.10:g.(?_41242941)_(41249326_?)del

Gene: BRCA1 (BRCA1 DNA repair associated; minus strand). Cytogenetic location: 17q21.31.
Variant type: Deletion.
Identifiers: ClinVar variation 2425743 (VCV002425743.6).

ClinVar aggregate classification (germline): Pathogenic (1 of 4 stars; one submission).

Conditions:
Hereditary breast ovarian cancer syndrome. Also called: Hereditary breast and ovarian cancer syndrome (HBOC); Breast and ovarian cancer; Hereditary breast and/or ovarian cancer syndrome; Hereditary breast and ovarian cancer; BRCA1- and BRCA2-Associated Hereditary Breast and Ovarian Cancer; Hereditary breast and ovarian cancer syndrome. Identifiers: Orphanet 145, MedGen C0677776, MeSH D061325, MONDO:0003582. Disease mechanism: loss of function.

Submission:

Labcorp Genetics (formerly Invitae), Labcorp
Classification: Pathogenic for Hereditary breast ovarian cancer syndrome. Last evaluated: 2022-10-31. Review status: criteria provided, single submitter. Criteria: Invitae Variant Classification Sherloc (09022015). Collection method: clinical testing. Allele origin: germline.
Comment: This variant is a gross deletion of the genomic region encompassing exon(s) 8-11 of the BRCA1 gene. This deletion is out-of-frame, and is expected to create a premature termination codon and result in an absent or disrupted protein product. Loss-of-function variants in BRCA1 are known to be pathogenic (PMID: 20104584). A similar copy number variant has been observed in individual(s) with breast and/or ovarian cancer (PMID: 17646271, 22544547, 24522996, 25236687). This variant is also known as deletion of exons 9-12. For these reasons, this variant has been classified as Pathogenic.

Literature cited by the submitters: PubMed 20104584; PubMed 17646271; PubMed 22544547; PubMed 24522996; PubMed 25236687.